The following is an entry in ClinVar:

NM_001129.5(AEBP1):c.1936T>C (p.Tyr646His)

Gene: AEBP1 (AE binding protein 1; plus strand). Cytogenetic location: 7p13.
Variant type: single nucleotide variant.
Coding change: c.1936T>C on transcript NM_001129.5 (MANE Select); coding-DNA position 1936, T replaced by C.
Protein change: p.Tyr646His; replaces tyrosine 646 with histidine.
Molecular consequence: missense variant.
Genome position (GRCh38, 1-based): chr7:44,111,949, T>C. VCF-style: chr7-44111949-T-C. GRCh37 (hg19) VCF-style: chr7-44151548-T-C.
Other names: short protein forms Y646H.
Identifiers: ClinVar variation 3896525 (VCV003896525.2).
Genomic context (GRCh38, chr7:44,111,949, plus strand): 5'-GGCAACGAGGTGCTGGGCCGAGAGCTGTTGCTGCTGCTCATGCAGTACCTGTGCCGAGAG[T>C]ACCGCGATGGGAACCCACGTGTGCGCAGCCTGGTGCAGGACACACGCATCCACCTGGTGC-3'
Protein context (NP_001120.3, residues 636-656): LLLMQYLCRE[Tyr646His]RDGNPRVRSL

ClinVar aggregate classification (germline): Uncertain significance (1 of 4 stars; one submission).

gnomAD v4.1: 3 of 1,613,654 alleles (0.00019%); highest among the groups gnomAD compares: Non-Finnish European, 0.00025%; no homozygotes.

Submission:

Women's Health and Genetics/Laboratory Corporation of America, LabCorp
Classification: Uncertain significance. Last evaluated: 2025-04-03. Review status: criteria provided, single submitter. Criteria: LabCorp Variant Classification Summary - May 2015. Collection method: clinical testing. Allele origin: germline.
Comment: Variant summary: AEBP1 c.1936T>C (p.Tyr646His) results in a conservative amino acid change in the encoded protein sequence. Three of five in-silico tools predict a damaging effect of the variant on protein function. The variant allele was found at a frequency of 1.2e-05 in 250820 control chromosomes. The available data on variant occurrences in the general population are insufficient to allow any conclusion about variant significance. To our knowledge, no occurrence of c.1936T>C in individuals affected with Ehlers-Danlos syndrome and no experimental evidence demonstrating its impact on protein function have been reported. No submitters have cited clinical-significance assessments for this variant to ClinVar. Based on the evidence outlined above, the variant was classified as uncertain significance.